The following is an entry in ClinVar:

ClinVar aggregate classification (germline): Uncertain significance (1 of 4 stars; one submission).

Conditions:
Leber congenital amaurosis 3 (LCA3). Also called: SPATA7-Related Retinitis Pigmentosa. Identifiers: MedGen C1858677, MONDO:0011415, OMIM 604232.

Allele frequency attached by ClinVar (database versions not stated): gnomAD exomes below 0.00001.
gnomAD v4.1: 5 of 1,609,106 alleles (0.00031%); highest among the groups gnomAD compares: Admixed American, 0.0017%; no homozygotes.

Submission:

Labcorp Genetics (formerly Invitae), Labcorp
Classification: Uncertain significance for Leber congenital amaurosis 3. Last evaluated: 2019-08-22. Review status: criteria provided, single submitter. Criteria: Invitae Variant Classification Sherloc (09022015). Collection method: clinical testing. Allele origin: germline.
Comment: In summary, the available evidence is currently insufficient to determine the role of this variant in disease. Therefore, it has been classified as a Variant of Uncertain Significance. Algorithms developed to predict the effect of missense changes on protein structure and function (SIFT, PolyPhen-2, Align-GVGD) all suggest that this variant is likely to be tolerated, but these predictions have not been confirmed by published functional studies and their clinical significance is uncertain. This variant has not been reported in the literature in individuals with SPATA7-related conditions. This variant is not present in population databases (ExAC no frequency). This sequence change replaces methionine with lysine at codon 300 of the SPATA7 protein (p.Met300Lys). The methionine residue is weakly conserved and there is a moderate physicochemical difference between methionine and lysine.

NM_018418.5(SPATA7):c.899T>A (p.Met300Lys)

Gene: SPATA7 (spermatogenesis associated 7; plus strand). Cytogenetic location: 14q31.3.
Variant type: single nucleotide variant.
Coding change: c.899T>A on transcript NM_018418.5 (MANE Select); coding-DNA position 899, T replaced by A.
Protein change: p.Met300Lys; replaces methionine 300 with lysine.
Molecular consequence: missense variant.
Genome position (GRCh38, 1-based): chr14:88,427,683, T>A. VCF-style: chr14-88427683-T-A. GRCh37 (hg19) VCF-style: chr14-88894027-T-A.
Other names: c.803T>A, p.Met268Lys (NM_001040428.4); short protein forms M268K, M300K.
Identifiers: ClinVar variation 959404 (VCV000959404.9), dbSNP rs1181075236, ClinGen allele CA390566093.
Genomic context (GRCh38, chr14:88,427,683, plus strand): 5'-ATTACAGCTTTAAATCTGAGTTGGGGACAGCTGAGACTAAAAACATGACAGATTCAGAAA[T>A]GAACATAAAGCAGGTAATAAGTATGAAATCTTTTGGTATTGCTACATTTGAATTACAGAT-3'
Protein context (NP_060888.2, residues 290-310): AETKNMTDSE[Met300Lys]NIKQASNCVT